The following is an entry in ClinVar:

NM_182961.4(SYNE1):c.10020A>G (p.Ile3340Met)

Gene: SYNE1 (spectrin repeat containing nuclear envelope protein 1; minus strand). Cytogenetic location: 6q25.2.
Variant type: single nucleotide variant.
Coding change: c.10020A>G on transcript NM_182961.4 (MANE Select); coding-DNA position 10020, A replaced by G.
Protein change: p.Ile3340Met; replaces isoleucine 3340 with methionine.
Molecular consequence: missense variant.
Genome position (GRCh38, 1-based): chr6:152,364,972, T>C on the plus strand (A>G on the coding strand, the complement: SYNE1 is on the minus strand). VCF-style: chr6-152364972-T-C. GRCh37 (hg19) VCF-style: chr6-152686107-T-C.
Other names: c.10041A>G, p.Ile3347Met (NM_033071.5); c.10041A>G (NM_033071.3); short protein forms I3340M, I3347M.
Identifiers: ClinVar variation 374573 (VCV000374573.49), dbSNP rs756088149, ClinGen allele CA4057094.

ClinVar aggregate classification (germline): Uncertain significance. Review status: criteria provided, multiple submitters, no conflicts (2 of 4 stars). 3 submissions from 3 submitters: Uncertain significance (3). Last evaluated 2025-03-06.

Conditions:
Emery-Dreifuss muscular dystrophy 4, autosomal dominant (EDMD4). Also called: EMERY-DREIFUSS MUSCULAR DYSTROPHY 4 WITH VARIABLE FEATURES. Identifiers: Orphanet 261, MedGen C2751807, MONDO:0013071, OMIM 612998.
Autosomal recessive ataxia, Beauce type. Also called: Spinocerebellar ataxia, autosomal recessive 8; SYNE1 Deficiency; SYNE1-Related Autosomal Recessive Cerebellar Ataxia; ATAXIA, RECESSIVE, OF BEAUCE. Identifiers: Orphanet 88644, MedGen C1853116, MONDO:0012549, OMIM 610743.

Allele frequency attached by ClinVar (database versions not stated): gnomAD below 0.00001 and 0.00006; TOPMed below 0.00001; gnomAD exomes 0.00005 and 0.00009; ExAC 0.00007.
gnomAD v4.1: 93 of 1,614,246 alleles (0.0058%); highest among the groups gnomAD compares: South Asian, 0.079%; no homozygotes.

Submissions (3):

Labcorp Genetics (formerly Invitae), Labcorp
Classification: Uncertain significance for Emery-Dreifuss muscular dystrophy 4, autosomal dominant; Autosomal recessive ataxia, Beauce type. Last evaluated: 2025-03-06. Review status: criteria provided, single submitter. Criteria: Invitae Variant Classification Sherloc (09022015). Collection method: clinical testing. Allele origin: germline.
Comment: This sequence change replaces isoleucine, which is neutral and non-polar, with methionine, which is neutral and non-polar, at codon 3347 of the SYNE1 protein (p.Ile3347Met). This variant is present in population databases (rs756088149, gnomAD 0.07%). This variant has not been reported in the literature in individuals affected with SYNE1-related conditions. ClinVar contains an entry for this variant (Variation ID: 374573). An algorithm developed to predict the effect of missense changes on protein structure and function (PolyPhen-2) suggests that this variant is likely to be tolerated. In summary, the available evidence is currently insufficient to determine the role of this variant in disease. Therefore, it has been classified as a Variant of Uncertain Significance.

GeneDx
Classification: Uncertain significance. Last evaluated: 2022-09-23. Review status: criteria provided, single submitter. Criteria: GeneDx Variant Classification Process June 2021. Collection method: clinical testing. Allele origin: germline. Affected: yes.
Comment: In silico analysis supports that this missense variant does not alter protein structure/function; Has not been previously published as pathogenic or benign to our knowledge

CeGaT Center for Human Genetics Tuebingen
Classification: Uncertain significance. Last evaluated: 2016-05-01. Review status: criteria provided, single submitter. Criteria: CeGaT Center For Human Genetics Tuebingen Variant Classification Criteria Version 2. Collection method: clinical testing. Allele origin: germline. Affected: yes. Observed: 1 variant allele.